The following is an entry in ClinVar:

NM_000059.4(BRCA2):c.7964A>G (p.Gln2655Arg)

Gene: BRCA2 (BRCA2 DNA repair associated; plus strand). Cytogenetic location: 13q13.1.
Variant type: single nucleotide variant.
Coding change: c.7964A>G on transcript NM_000059.4 (MANE Select); coding-DNA position 7964, A replaced by G.
Protein change: p.Gln2655Arg; replaces glutamine 2655 with arginine.
Molecular consequence: missense variant.
Genome position (GRCh38, 1-based): chr13:32,362,681, A>G. VCF-style: chr13-32362681-A-G. GRCh37 (hg19) VCF-style: chr13-32936818-A-G.
Other names: p.Q2655R:CAA>CGA; p.Gln2655Arg; short protein forms Q2655R.
Identifiers: ClinVar variation 52450 (VCV000052450.43), dbSNP rs80359024, ClinGen allele CA025358.

ClinVar aggregate classification (germline): Pathogenic/Likely pathogenic. Review status: criteria provided, multiple submitters, no conflicts (2 of 4 stars). 19 submissions from 18 submitters: Pathogenic (1); Likely pathogenic (16). 2 of the submissions do not count toward it. Last evaluated 2025-12-29.

Conditions:
Hereditary breast ovarian cancer syndrome. Also called: Hereditary breast and ovarian cancer syndrome; Hereditary breast and ovarian cancer; Hereditary breast and ovarian cancer syndrome (HBOC); Breast and ovarian cancer; Hereditary breast and/or ovarian cancer syndrome; BRCA1- and BRCA2-Associated Hereditary Breast and Ovarian Cancer. Identifiers: Orphanet 145, MedGen C0677776, MeSH D061325, MONDO:0003582. Disease mechanism: loss of function.
Breast-ovarian cancer, familial, susceptibility to, 2 (BROVCA2). Also called: BRCA2 Hereditary Breast and Ovarian Cancer. Identifiers: Orphanet 145, MedGen C2675520, MONDO:0012933, OMIM 612555. Disease mechanism: loss of function.
Fanconi anemia (FA). Also called: Fanconi's anemia. Identifiers: Orphanet 84, MedGen C0015625, MeSH D005199, MONDO:0019391.
Hereditary cancer-predisposing syndrome. Also called: Neoplastic Syndromes, Hereditary; Tumor predisposition; Hereditary neoplastic syndrome; Hereditary Cancer Syndrome. Identifiers: Orphanet 140162, MedGen C0027672, MeSH D009386, MONDO:0015356.
Familial cancer of breast. Also called: BREAST CANCER, FAMILIAL; Hereditary breast cancer; hereditary breast carcinoma. Identifiers: Orphanet 227535, MedGen C0346153, MONDO:0016419, OMIM 114480. Disease mechanism: loss of function.

Allele frequency attached by ClinVar (database versions not stated): gnomAD exomes below 0.00001.
gnomAD v4.1: 2 of 1,614,186 alleles (0.00012%); highest among the groups gnomAD compares: Non-Finnish European, 0.000085%; no homozygotes.

Submissions 1 to 9 of 19:

Center for Genomic Medicine, Rigshospitalet, Copenhagen University Hospital
Classification: Likely pathogenic. Last evaluated: 2025-12-29. Review status: criteria provided, single submitter. Criteria: ACMG Guidelines, 2015. Collection method: clinical testing. Allele origin: germline.

Labcorp Genetics (formerly Invitae), Labcorp
Classification: Likely pathogenic for Hereditary breast ovarian cancer syndrome. Last evaluated: 2025-12-23. Review status: criteria provided, single submitter. Criteria: Invitae Variant Classification Sherloc (09022015). Collection method: clinical testing. Allele origin: germline.
Comment: This sequence change replaces glutamine, which is neutral and polar, with arginine, which is basic and polar, at codon 2655 of the BRCA2 protein (p.Gln2655Arg). This variant is not present in population databases (gnomAD no frequency). This missense change has been observed in individual(s) with Fanconi anemia (PMID: 20608899). In at least one individual the data is consistent with being in trans (on the opposite chromosome) from a pathogenic variant. This missense change has been observed to co-occur in individuals with a different variant in BRCA2 that has been determined to be pathogenic (internal data), but the significance of this finding is unclear. ClinVar contains an entry for this variant (Variation ID: 52450). An algorithm developed specifically for the BRCA2 gene suggests that this missense change is likely to be deleterious (internal data). Experimental studies have shown that this missense change affects BRCA2 function (PMID: 29394989, 29884841). In summary, the currently available evidence indicates that the variant is pathogenic, but additional data are needed to prove that conclusively. Therefore, this variant has been classified as Likely Pathogenic.

Revvity Omics, Revvity
Classification: Likely pathogenic. Last evaluated: 2025-06-11. Review status: criteria provided, single submitter. Criteria: ACMG Guidelines, 2015. Collection method: clinical testing. Allele origin: germline.

Ambry Genetics
Classification: Likely pathogenic for Hereditary cancer-predisposing syndrome. Last evaluated: 2025-03-19. Review status: criteria provided, single submitter. Criteria: Ambry Variant Classification Scheme 2023. Collection method: clinical testing. Allele origin: germline.
Comment: The p.Q2655R variant (also known as c.7964A>G), located in coding exon 16 of the BRCA2 gene, results from an A to G substitution at nucleotide position 7964. The glutamine at codon 2655 is replaced by arginine, an amino acid with highly similar properties. This alteration was detected in trans with a BRCA2 pathogenic nonsense mutation in an archived medulloblastoma sample from a deceased individual with Fanconi Anemia (Ruud E et al. Acta Paediatr. 2001 May;90:580-3; Bodd TL et al. Acta Paediatr. 2010 Nov;99:1741-3). This alteration has an intermediate impact in a homology directed DNA repair (HDR) assay (Personal communication). Two saturation genome editing-based studies, including a haploid cell-survival assay and a humanized mouse embryonic stem cell line assay of drug response and survival, demonstrate that this nucleotide substitution is functional; however these assays may not be properly calibrated to measure the function of hypomorphic variants (Huang H et al. Nature. 2025 Feb;638(8050):528-537; Sahu S et al. Nature. 2025 Feb;638(8050):538-545). This amino acid position is highly conserved in available vertebrate species. In addition, this alteration is predicted to be deleterious by in silico analysis. Based on the majority of available evidence to date, this variant is likely to be pathogenic. However, because this variant is identified in one or more patients with Fanconi Anemia it may be hypomorphic and thus, carriers of this variant and their families may present with reduced risks, and not with the typical clinical characteristics of a high-risk pathogenic BRCA2 alteration. As risk estimates are unknown at this time, clinical correlation is advised.

Department of Clinical Genetics, Copenhagen University Hospital, Rigshospitalet
Classification: Likely pathogenic for Familial cancer of breast. Last evaluated: 2025-02-19. Review status: criteria provided, single submitter. Criteria: ACMG Guidelines, 2015. Collection method: clinical testing. Allele origin: germline.
Comment: The following ACMG criteria has been used: PM2_SUP; PS3; PP3; PM3

Women's Health and Genetics/Laboratory Corporation of America, LabCorp
Classification: Likely pathogenic for Fanconi anemia. Last evaluated: 2024-12-06. Review status: criteria provided, single submitter. Criteria: LabCorp Variant Classification Summary - May 2015. Collection method: clinical testing. Allele origin: germline.
Comment: Variant summary: BRCA2 c.7964A>G (p.Gln2655Arg) results in a conservative amino acid change located in the BRCA2, helical domain (Integrated: IPR015252) of the encoded protein sequence. Four of five in-silico tools predict a damaging effect of the variant on protein function. The variant was absent in 251260 control chromosomes. c.7964A>G has been reported in the literature as a biallelic compound heterozygous genotype in at-least one individual affected with Fanconi Anemia (example, Bodd_2010 cited in Miele_2015). At least two publications report experimental evidence evaluating an impact on protein function. The most pronounced variant effect results in loss of homology directed repair (HDR) of normal activity (example, Guidugli_2018, Hart_2019). HDR assays qualify as a recognized gold standard on the basis of updated guidance provided by the ClinGen Sequence Variant Interpretation (SVI) working group. This working group has recommended strong functional evidence (ACMG PS3) as sufficient weightage for categorization as likely pathogenic (Tavtigian_2018). The following publications have been ascertained in the context of this evaluation (PMID: 20608899, 29394989, 29884841, 19043619, 34687993, 26064523, 36721989). ClinVar contains an entry for this variant (Variation ID: 52450). Based on the evidence outlined above, the variant was classified as likely pathogenic for autosomal recessive Fanconi Anemia and autosomal dominant Breast Cancer susceptibility.

GeneDx
Classification: Likely pathogenic. Last evaluated: 2024-09-25. Review status: criteria provided, single submitter. Criteria: GeneDx Variant Classification Process June 2021. Collection method: clinical testing. Allele origin: germline. Affected: yes.
Comment: Observed in individuals undergoing multi-gene panel testing based on a personal and/or family history of cancer, as well as in individuals with breast cancer in a case-control study (PMID: 31853058, 33471991); Published functional studies demonstrate decreased homology directed repair activity (PMID: 29394989, 29884841, 35665744); In silico analysis indicates that this missense variant does not alter protein structure/function; Not observed at significant frequency in large population cohorts (gnomAD); Also known as c.8192A>G; This variant is associated with the following publications: (PMID: 19043619, 26064523, 11430722, 29394989, 29884841, 35665744, 31131967, 29158857, 31853058, 32377563, 33471991, 20608899, 12228710, 36721989)

Institute of Human Genetics, University of Leipzig Medical Center
Classification: Likely pathogenic for Familial cancer of breast. Last evaluated: 2024-08-22. Review status: criteria provided, single submitter. Criteria: ACMG Guidelines, 2015. Collection method: clinical testing. Allele origin: unknown. Inheritance: Autosomal dominant inheritance. Affected: yes.
Comment: Criteria applied: PS3,PM3,PM2_SUP

ARUP Laboratories, Molecular Genetics and Genomics, ARUP Laboratories
Classification: Likely pathogenic. Last evaluated: 2024-02-26. Review status: criteria provided, single submitter. Criteria: ARUP Molecular Germline Variant Investigation Process 2024. Collection method: clinical testing. Allele origin: germline.
Comment: The BRCA2 c.7964A>G; p.Gln2655Arg variant (rs80359024) is reported in the literature in an individual affected with Fanconi anemia confirmed to carry another pathogenic BRCA2 variant in trans (Bodd 2010). The p.Gln2655Arg variant is absent from the Genome Aggregation Database (v2.1.1), indicating it is not a common polymorphism. Computational analyses are uncertain whether this variant is neutral or deleterious (BayesDel: 0.248; REVEL: 0.784). However, functional analysis of the variant protein suggests significantly reduced homology-directed repair activity similar to other pathogenic variants (Guidigli 2018). Based on available information, the p.Gln2655Arg variant is considered to be likely pathogenic. References: Bodd TL et al. Fanconi anaemia, BRCA2 and familial considerations - follow up on a previous case report. Acta Paediatr. 2010 Nov;99(11):1741-3. PMID: 20608899. Guidugli L et al. Assessment of the Clinical Relevance of BRCA2 Missense Variants by Functional and Computational Approaches. Am J Hum Genet. 2018 Feb 1;102(2):233-248. PMID: 29394989.